The following is an entry in ClinVar:

NM_000057.4(BLM):c.2740G>T (p.Ala914Ser)

Gene: BLM (BLM RecQ like helicase; plus strand). Cytogenetic location: 15q26.1.
Variant type: single nucleotide variant.
Coding change: c.2740G>T on transcript NM_000057.4 (MANE Select); coding-DNA position 2740, G replaced by T.
Protein change: p.Ala914Ser; replaces alanine 914 with serine.
Molecular consequence: missense variant.
Genome position (GRCh38, 1-based): chr15:90,784,998, G>T. VCF-style: chr15-90784998-G-T. GRCh37 (hg19) VCF-style: chr15-91328228-G-T.
Other names: c.2740G>T, p.Ala914Ser (NM_001287246.2, NM_001287247.2); c.1615G>T, p.Ala539Ser (NM_001287248.2); short protein forms A539S, A914S.
Identifiers: ClinVar variation 3261008 (VCV003261008.1).
Genomic context (GRCh38, chr15:90,784,998, plus strand): 5'-TACTGCCTCTCCAGGCGAGAATGTGACACCATGGCTGACACGTTACAGAGAGATGGGCTC[G>T]CTGCTCTTGCTTACCATGCTGGCCTCAGTGATTCTGCCAGAGATGAAGTGCAGCAGAAGT-3'
Protein context (NP_000048.1, residues 904-924): MADTLQRDGL[Ala914Ser]ALAYHAGLSD

ClinVar aggregate classification (germline): Uncertain significance (1 of 4 stars; one submission).

Conditions:
Hereditary cancer-predisposing syndrome. Also called: Hereditary Cancer Syndrome; Tumor predisposition; Hereditary neoplastic syndrome; Neoplastic Syndromes, Hereditary. Identifiers: Orphanet 140162, MedGen C0027672, MeSH D009386, MONDO:0015356.

Submission:

Ambry Genetics
Classification: Uncertain significance for Hereditary cancer-predisposing syndrome. Last evaluated: 2024-03-15. Review status: criteria provided, single submitter. Criteria: Ambry Variant Classification Scheme 2023. Collection method: clinical testing. Allele origin: germline.
Comment: The p.A914S variant (also known as c.2740G>T), located in coding exon 13 of the BLM gene, results from a G to T substitution at nucleotide position 2740. The alanine at codon 914 is replaced by serine, an amino acid with similar properties. This amino acid position is conserved. In addition, this alteration is predicted to be tolerated by in silico analysis. Based on the available evidence, the clinical significance of this alteration remains unclear.